The following is an entry in ClinVar:

ClinVar aggregate classification (germline): Uncertain significance (1 of 4 stars; one submission).

Conditions:
Inborn genetic diseases. Identifiers: MedGen C0950123, MeSH D030342.

Submission:

Ambry Genetics
Classification: Uncertain significance for Inborn genetic diseases. Last evaluated: 2026-08-10. Review status: criteria provided, single submitter. Criteria: Ambry Variant Classification Scheme 2023. Collection method: clinical testing. Allele origin: germline.
Comment: The p.S2G variant (also known as c.4A>G), located in coding exon 1 of the SAMD9L gene, results from an A to G substitution at nucleotide position 4. The serine at codon 2 is replaced by glycine, an amino acid with similar properties. This amino acid position is conserved. In addition, this alteration is predicted to be tolerated by in silico analysis. Based on the available evidence, the clinical significance of this variant remains unclear.

NM_152703.5(SAMD9L):c.4A>G (p.Ser2Gly)

Gene: SAMD9L (sterile alpha motif domain containing 9 like; minus strand). Cytogenetic location: 7q21.2.
Variant type: single nucleotide variant.
Coding change: c.4A>G on transcript NM_152703.5 (MANE Select); coding-DNA position 4, A replaced by G.
Protein change: p.Ser2Gly; replaces serine 2 with glycine.
Molecular consequence: missense variant.
Genome position (GRCh38, 1-based): chr7:93,135,968, T>C on the plus strand (A>G on the coding strand, the complement: SAMD9L is on the minus strand). VCF-style: chr7-93135968-T-C. GRCh37 (hg19) VCF-style: chr7-92765281-T-C.
Other names: c.4A>G, p.Ser2Gly (NM_001303496.3, NM_001303497.3, NM_001303498.3 and 5 more transcripts); short protein forms S2G.
Identifiers: ClinVar variation 5028940 (VCV005028940.1).